The following is an entry in ClinVar:

ClinVar aggregate classification (germline): Pathogenic (1 of 4 stars; one submission).

Conditions:
Bardet-Biedl syndrome (BBS). Identifiers: Orphanet 110, MedGen C0752166, MONDO:0015229.

Submission:

Labcorp Genetics (formerly Invitae), Labcorp
Classification: Pathogenic for Bardet-Biedl syndrome. Last evaluated: 2024-01-29. Review status: criteria provided, single submitter. Criteria: Invitae Variant Classification Sherloc (09022015). Collection method: clinical testing. Allele origin: germline.
Comment: This sequence change creates a premature translational stop signal (p.Ser611Valfs*10) in the BBS2 gene. It is expected to result in an absent or disrupted protein product. Loss-of-function variants in BBS2 are known to be pathogenic (PMID: 11285252, 20177705, 24608809, 26518167). This variant is not present in population databases (gnomAD no frequency). This variant has not been reported in the literature in individuals affected with BBS2-related conditions. Algorithms developed to predict the effect of sequence changes on RNA splicing suggest that this variant may disrupt the consensus splice site. For these reasons, this variant has been classified as Pathogenic.

Literature cited by the submitters: PubMed 11285252; PubMed 20177705; PubMed 24608809; PubMed 26518167.

NM_031885.5(BBS2):c.1830del (p.Ser611fs)

Gene: BBS2 (Bardet-Biedl syndrome 2; minus strand). Cytogenetic location: 16q13.
Variant type: Deletion.
Coding change: c.1830del on transcript NM_031885.5 (MANE Select); coding-DNA position 1830, one base deleted (C; older notation c.1830delC).
Protein change: p.Ser611fs; shifts the reading frame from serine 611.
Molecular consequence: frameshift variant. On other transcripts: non-coding transcript variant (5).
Genome position (GRCh38, 1-based): chr16:56,497,047, G deleted on the plus strand (C on the coding strand, the reverse complement: BBS2 is on the minus strand). VCF-style (leftmost placement, unchanged base first): chr16-56497046-TG-T. GRCh37 (hg19) VCF-style: chr16-56530958-TG-T.
Other names: c.1830del, p.Ser611fs (NM_001377456.1); short protein forms S611fs.
Identifiers: ClinVar variation 3633072 (VCV003633072.2).